The following is an entry in ClinVar:

ClinVar aggregate classification (germline): Uncertain significance (1 of 4 stars; one submission).

Submission:

GeneDx
Classification: Uncertain significance. Last evaluated: 2025-08-11. Review status: criteria provided, single submitter. Criteria: GeneDx Variant Classification Process June 2021. Collection method: clinical testing. Allele origin: germline. Affected: yes.
Comment: Not observed at significant frequency in large population cohorts (gnomAD); Nonsense variant predicted to result in protein truncation or nonsense mediated decay in a gene or region of a gene for which loss of function is not a well-established mechanism of disease; Has not been previously published as pathogenic or benign to our knowledge

NM_018896.5(CACNA1G):c.2859C>A (p.Tyr953Ter)

Gene: CACNA1G (calcium voltage-gated channel subunit alpha1 G; plus strand). Cytogenetic location: 17q21.33.
Variant type: single nucleotide variant.
Coding change: c.2859C>A on transcript NM_018896.5 (MANE Select); coding-DNA position 2859, C replaced by A.
Protein change: p.Tyr953Ter; replaces tyrosine 953 with a stop codon.
Molecular consequence: nonsense. On other transcripts: non-coding transcript variant (5).
Genome position (GRCh38, 1-based): chr17:50,592,041, C>A. VCF-style: chr17-50592041-C-A. GRCh37 (hg19) VCF-style: chr17-48669402-C-A.
Other names: c.2859C>A, p.Tyr953Ter (NM_001256324.2, NM_001256325.2, NM_001256326.2 and 24 more transcripts); short protein forms Y953*.
Identifiers: ClinVar variation 4795633 (VCV004795633.1).